The following is an entry in ClinVar:

ClinVar aggregate classification (germline): Uncertain significance. Review status: criteria provided, multiple submitters, no conflicts (2 of 4 stars). 2 submissions from 2 submitters: Uncertain significance (2). Last evaluated 2025-04-25.

Conditions:
Hyperparathyroidism 2 with jaw tumors. Also called: Hyperparathyroidism 2; HYPERPARATHYROIDISM, FAMILIAL PRIMARY, WITH MULTIPLE OSSIFYING JAW FIBROMAS; HYPERPARATHYROIDISM-JAW TUMOR SYNDROME, HEREDITARY; Hyperparathyroidism-Jaw Tumor Syndrome. Identifiers: Orphanet 99880, MedGen C1704981, MONDO:0007768, OMIM 145001.
Hyperparathyroidism 1 (HRPT1). Also called: HYPERPARATHYROIDISM, FAMILIAL ISOLATED PRIMARY. Identifiers: Orphanet 99879, MedGen C1840402, MONDO:0007767, OMIM 145000.
Parathyroid carcinoma (PRTC). Also called: CDC73-Related Parathyroid Carcinoma; Parathyroid gland carcinoma. Identifiers: Orphanet 143, MedGen C0687150, MONDO:0012004, OMIM 608266, HP:0006780.
Hereditary cancer-predisposing syndrome. Also called: Tumor predisposition; Hereditary Cancer Syndrome; Hereditary neoplastic syndrome; Neoplastic Syndromes, Hereditary. Identifiers: Orphanet 140162, MedGen C0027672, MeSH D009386, MONDO:0015356.

Submissions (2):

Ambry Genetics
Classification: Uncertain significance for Hereditary cancer-predisposing syndrome. Last evaluated: 2025-04-25. Review status: criteria provided, single submitter. Criteria: Ambry Variant Classification Scheme 2023. Collection method: clinical testing. Allele origin: germline.
Comment: The p.D463Y variant (also known as c.1387G>T), located in coding exon 15 of the CDC73 gene, results from a G to T substitution at nucleotide position 1387. The aspartic acid at codon 463 is replaced by tyrosine, an amino acid with highly dissimilar properties. This amino acid position is conserved. In addition, the in silico prediction for this alteration is inconclusive. Based on the available evidence, the clinical significance of this variant remains unclear.

Fulgent Genetics
Classification: Uncertain significance for Hyperparathyroidism 1; Hyperparathyroidism 2 with jaw tumors; Parathyroid carcinoma. Last evaluated: 2024-05-26. Review status: criteria provided, single submitter. Criteria: ACMG Guidelines, 2015. Collection method: clinical testing. Allele origin: germline.

NM_024529.5(CDC73):c.1387G>T (p.Asp463Tyr)

Gene: CDC73 (cell division cycle 73; plus strand). Cytogenetic location: 1q31.2.
Variant type: single nucleotide variant.
Coding change: c.1387G>T on transcript NM_024529.5 (MANE Select); coding-DNA position 1387, G replaced by T.
Protein change: p.Asp463Tyr; replaces aspartic acid 463 with tyrosine.
Molecular consequence: missense variant.
Genome position (GRCh38, 1-based): chr1:193,236,326, G>T. VCF-style: chr1-193236326-G-T. GRCh37 (hg19) VCF-style: chr1-193205456-G-T.
Other names: short protein forms D463Y.
Identifiers: ClinVar variation 3574986 (VCV003574986.2).